The following is an entry in ClinVar:

NM_000052.7(ATP7A):c.4223A>C (p.Lys1408Thr)

Gene: ATP7A (ATPase copper transporting alpha; plus strand). Cytogenetic location: Xq21.1.
Variant type: single nucleotide variant.
Coding change: c.4223A>C on transcript NM_000052.7 (MANE Select); coding-DNA position 4223, A replaced by C.
Protein change: p.Lys1408Thr; replaces lysine 1408 with threonine.
Molecular consequence: missense variant. On other transcripts: non-coding transcript variant (1).
Genome position (GRCh38, 1-based): chrX:78,045,569, A>C. VCF-style: chrX-78045569-A-C. GRCh37 (hg19) VCF-style: chrX-77301066-A-C.
Other names: c.4223A>C (NM_000052.4); c.3989A>C, p.Lys1330Thr (NM_001282224.2); short protein forms K1408T, K1330T.
Identifiers: ClinVar variation 1358317 (VCV001358317.9), dbSNP rs936157944, ClinGen allele CA413605939.

ClinVar aggregate classification (germline): Conflicting classifications of pathogenicity. Review status: criteria provided, conflicting classifications (1 of 4 stars). 2 submissions from 2 submitters: Uncertain significance (1); Likely benign (1). Last evaluated 2023-10-31.

Conditions:
Cutis laxa, X-linked (OHS). Also called: EDS IX; Occipital horn syndrome. Identifiers: Orphanet 198, MedGen C0268353, MONDO:0010572, OMIM 304150.
X-linked distal spinal muscular atrophy type 3. Also called: SPINAL MUSCULAR ATROPHY, DISTAL, X-LINKED RECESSIVE; ATP7A-Related Distal Motor Neuropathy; NEURONOPATHY, DISTAL HEREDITARY MOTOR, X-LINKED; NEUROPATHY, DISTAL HEREDITARY MOTOR, X-LINKED. Identifiers: Orphanet 139557, MedGen C1845359, MONDO:0010338, OMIM 300489.
Menkes kinky-hair syndrome (MNK). Also called: Copper transport disease; Classic Menkes Disease; Menkes Disease. Identifiers: Orphanet 565, MedGen C0022716, MONDO:0010651, OMIM 309400.

Allele frequency attached by ClinVar (database versions not stated): gnomAD exomes 0.00001; gnomAD 0.00003.
gnomAD v4.1: 6 of 1,184,703 alleles (0.00051%); highest among the groups gnomAD compares: African/African-American, 0.011%; no homozygotes.

Submissions (2):

GeneDx
Classification: Uncertain significance. Last evaluated: 2023-10-31. Review status: criteria provided, single submitter. Criteria: GeneDx Variant Classification Process June 2021. Collection method: clinical testing. Allele origin: germline. Affected: yes.
Comment: Has not been previously published as pathogenic or benign to our knowledge; Not observed at significant frequency in large population cohorts (gnomAD); In silico analysis supports that this missense variant has a deleterious effect on protein structure/function; This variant is associated with the following publications: (PMID: 32528851)

Labcorp Genetics (formerly Invitae), Labcorp
Classification: Likely benign for X-linked distal spinal muscular atrophy type 3; Cutis laxa, X-linked; Menkes kinky-hair syndrome. Last evaluated: 2023-06-06. Review status: criteria provided, single submitter. Criteria: Invitae Variant Classification Sherloc (09022015). Collection method: clinical testing. Allele origin: germline.